The following is an entry in ClinVar:

NM_001377.3(DYNC2H1):c.2353C>T (p.Arg785Ter)

Gene: DYNC2H1 (dynein cytoplasmic 2 heavy chain 1; plus strand). Cytogenetic location: 11q22.3.
Variant type: single nucleotide variant.
Coding change: c.2353C>T on transcript NM_001377.3 (MANE Select); coding-DNA position 2353, C replaced by T.
Protein change: p.Arg785Ter; replaces arginine 785 with a stop codon.
Molecular consequence: nonsense.
Genome position (GRCh38, 1-based): chr11:103,135,727, C>T. VCF-style: chr11-103135727-C-T. GRCh37 (hg19) VCF-style: chr11-103006456-C-T.
Other names: c.2353C>T, p.Arg785Ter (NM_001080463.2); short protein forms R785*.
Identifiers: ClinVar variation 225345 (VCV000225345.8), dbSNP rs755883373, ClinGen allele CA382260189.
Genomic context (GRCh38, chr11:103,135,727, plus strand): 5'-CATTGTATAATTTTCTAACAATTTATGTTTTAAAGTTATTTATTTACTTTTAGACAGGGA[C>T]GATTACAATTCAGGCCCCCTTTTGAAGAAATCCGGGCTAAATATTATAGAGAAATGAAGA-3'

ClinVar aggregate classification (germline): Pathogenic/Likely pathogenic. Review status: criteria provided, multiple submitters, no conflicts (2 of 4 stars). 3 submissions from 3 submitters: Pathogenic (1); Likely pathogenic (2). Last evaluated 2023-09-29.

Conditions:
Jeune thoracic dystrophy. Also called: Jeune syndrome; Infantile thoracic dystrophy; Thoracic pelvic phalangeal dystrophy; Jeune's syndrome; Chondroectodermal dysplasia-like syndrome; Short-rib thoracic dysplasia. Identifiers: Orphanet 474, MedGen C0265275, MONDO:0018770.
DYNC2H1-related disorder. Also called: DYNC2H1-related condition; DYNC2H1-related disorders. Identifiers: MedGen CN378770.
Asphyxiating thoracic dystrophy 3. Also called: SHORT-RIB THORACIC DYSPLASIA 3 WITH OR WITHOUT POLYDACTYLY; POLYDACTYLY WITH NEONATAL CHONDRODYSTROPHY, TYPE I; SHORT-RIB THORACIC DYSPLASIA 3/6 WITH POLYDACTYLY, DIGENIC; Short rib polydactyly syndrome 2B; Saldino-Noonan Syndrome. Identifiers: Orphanet 474, Orphanet 93269, Orphanet 93270, Orphanet 93271, MedGen C0036069, MONDO:0013127, OMIM 613091.

gnomAD v4.1: 2 of 1,608,302 alleles (0.00012%); highest among the groups gnomAD compares: Admixed American, 0.0017%; no homozygotes.

Submissions (3):

Labcorp Genetics (formerly Invitae), Labcorp
Classification: Pathogenic for Jeune thoracic dystrophy. Last evaluated: 2023-09-29. Review status: criteria provided, single submitter. Criteria: Invitae Variant Classification Sherloc (09022015). Collection method: clinical testing. Allele origin: germline.
Comment: This sequence change creates a premature translational stop signal (p.Arg785*) in the DYNC2H1 gene. It is expected to result in an absent or disrupted protein product. Loss-of-function variants in DYNC2H1 are known to be pathogenic (PMID: 23339108, 32753734, 33755199). The frequency data for this variant in the population databases is considered unreliable, as metrics indicate poor data quality at this position in the gnomAD database. This variant has not been reported in the literature in individuals affected with DYNC2H1-related conditions. ClinVar contains an entry for this variant (Variation ID: 225345). For these reasons, this variant has been classified as Pathogenic.

Blueprint Genetics
Classification: Likely pathogenic for DYNC2H1-related disorders. Last evaluated: 2022-02-25. Review status: criteria provided, single submitter. Criteria: ACMG Guidelines, 2015. Collection method: clinical testing. Allele origin: germline. Affected: yes. Observed: 2 variant alleles.

Soonchunhyang University Bucheon Hospital, Soonchunhyang University Medical Center
Classification: Likely pathogenic for Asphyxiating thoracic dystrophy 3. Last evaluated: 2016-03-18. Review status: criteria provided, single submitter. Criteria: ACMG Guidelines, 2015. Collection method: reference population. Allele origin: germline. Observed: 1 variant allele.

Literature cited by the submitters: PubMed 23339108 (cited by Labcorp Genetics (formerly Invitae), Labcorp); PubMed 32753734 (cited by Labcorp Genetics (formerly Invitae), Labcorp); PubMed 33755199 (cited by Labcorp Genetics (formerly Invitae), Labcorp); PubMed 19442771 (cited by Soonchunhyang University Bucheon Hospital, Soonchunhyang University Medical Center).